The following is an entry in ClinVar:

NM_003612.5(SEMA7A):c.940G>A (p.Gly314Ser)

Gene: SEMA7A (semaphorin 7A (JohnMiltonHagen blood group); minus strand). Cytogenetic location: 15q24.1.
Variant type: single nucleotide variant.
Coding change: c.940G>A on transcript NM_003612.5 (MANE Select); coding-DNA position 940, G replaced by A.
Protein change: p.Gly314Ser; replaces glycine 314 with serine.
Molecular consequence: missense variant.
Genome position (GRCh38, 1-based): chr15:74,415,847, C>T on the plus strand (G>A on the coding strand, the complement: SEMA7A is on the minus strand). VCF-style: chr15-74415847-C-T. GRCh37 (hg19) VCF-style: chr15-74708188-C-T.
Other names: c.898G>A, p.Gly300Ser (NM_001146029.3); c.445G>A, p.Gly149Ser (NM_001146030.3); c.940G>A (NM_003612.4); short protein forms G300S, G314S, G149S.
Identifiers: ClinVar variation 2554420 (VCV002554420.3), dbSNP rs1302053736, ClinGen allele CA393145841.

ClinVar aggregate classification (germline): Uncertain significance. Review status: criteria provided, multiple submitters, no conflicts (2 of 4 stars). 2 submissions from 2 submitters: Uncertain significance (2). Last evaluated 2026-05-11.

Conditions:
SEMA7A-related disorder. Also called: SEMA7A-related condition.

Allele frequency attached by ClinVar (database versions not stated): TOPMed below 0.00001; gnomAD 0.00001; gnomAD exomes 0.00001.
gnomAD v4.1: 19 of 1,613,878 alleles (0.0012%); highest among the groups gnomAD compares: African/African-American, 0.004%; no homozygotes.

Submissions (2):

PreventionGenetics, part of Exact Sciences
Classification: Uncertain significance for SEMA7A-related condition. Last evaluated: 2026-05-11. Review status: criteria provided, single submitter. Criteria: ACMG Guidelines, 2015. Collection method: clinical testing. Allele origin: germline.
Comment: The SEMA7A c.940G>A variant is predicted to result in the amino acid substitution p.Gly314Ser. To our knowledge, this variant has not been reported in the literature. This variant is reported in 0.0033% of alleles in individuals of South Asian descent in gnomAD. At this time, the clinical significance of this variant is uncertain due to the absence of conclusive functional and genetic evidence.

Ambry Genetics
Classification: Uncertain significance. Last evaluated: 2023-05-31. Review status: criteria provided, single submitter. Criteria: Ambry Variant Classification Scheme 2023. Collection method: clinical testing. Allele origin: germline.